The following is an entry in ClinVar:

NM_145649.5(GCNT2):c.*105C>T

Gene: GCNT2 (glucosaminyl (N-acetyl) transferase 2 (I blood group); plus strand). Cytogenetic location: 6p24.2.
Variant type: single nucleotide variant.
Coding change: c.*105C>T on transcript NM_145649.5 (MANE Select); 105 bases downstream of the stop codon, C replaced by T.
Molecular consequence: 3 prime UTR variant.
Genome position (GRCh38, 1-based): chr6:10,626,712, C>T. VCF-style: chr6-10626712-C-T. GRCh37 (hg19) VCF-style: chr6-10626945-C-T.
Other names: c.*105C>T (NM_001374747.1, NM_001491.3, NM_145655.4).
Identifiers: ClinVar variation 354713 (VCV000354713.5), dbSNP rs113642669, ClinGen allele CA10621052.

ClinVar aggregate classification (germline): Benign (1 of 4 stars; one submission).

Conditions:
Blood group, I system (Ii). Identifiers: MedGen C0020717, OMIM 110800.

Allele frequency attached by ClinVar (database versions not stated): 1000 Genomes Project 0.02756; 1000 Genomes Project 30x 0.02889; gnomAD 0.02912 and 0.02951; TOPMed 0.02978.

Submission:

Illumina Laboratory Services, Illumina
Classification: Benign for Blood group, I system. Last evaluated: 2018-01-12. Review status: criteria provided, single submitter. Criteria: ICSL Variant Classification Criteria 13 December 2019. Collection method: clinical testing. Allele origin: germline.
Comment: This variant was observed in the ICSL laboratory as part of a predisposition screen in an ostensibly healthy population. It had not been previously curated by ICSL or reported in the Human Gene Mutation Database (HGMD: prior to June 1st, 2018), and was therefore a candidate for classification through an automated scoring system. Utilizing variant allele frequency, disease prevalence and penetrance estimates, and inheritance mode, an automated score was calculated to assess if this variant is too frequent to cause the disease. Based on the score and internal cut-off values, a variant classified as benign is not then subjected to further curation. The score for this variant resulted in a classification of benign for this disease.